The following is an entry in ClinVar:

ClinVar aggregate classification (germline): Uncertain significance. Review status: criteria provided, multiple submitters, no conflicts (2 of 4 stars). 2 submissions from 2 submitters: Uncertain significance (2). Last evaluated 2026-03-02.

Conditions:
Inborn genetic diseases. Identifiers: MedGen C0950123, MeSH D030342.

Submissions (2):

Ambry Genetics
Classification: Uncertain significance for Inborn genetic diseases. Last evaluated: 2026-03-02. Review status: criteria provided, single submitter. Criteria: Ambry Variant Classification Scheme 2023. Collection method: clinical testing. Allele origin: germline.
Comment: The p.L940V variant (also known as c.2818T>G), located in coding exon 13 of the ASXL1 gene, results from a T to G substitution at nucleotide position 2818. The leucine at codon 940 is replaced by valine, an amino acid with highly similar properties. This amino acid position is conserved. In addition, this alteration is predicted to be tolerated by in silico analysis. Based on the available evidence, the clinical significance of this variant remains unclear.

Labcorp Genetics (formerly Invitae), Labcorp
Classification: Uncertain significance. Last evaluated: 2022-10-10. Review status: criteria provided, single submitter. Criteria: Invitae Variant Classification Sherloc (09022015). Collection method: clinical testing. Allele origin: germline.
Comment: In summary, the available evidence is currently insufficient to determine the role of this variant in disease. Therefore, it has been classified as a Variant of Uncertain Significance. Algorithms developed to predict the effect of missense changes on protein structure and function (SIFT, PolyPhen-2, Align-GVGD) all suggest that this variant is likely to be tolerated. This variant has not been reported in the literature in individuals affected with ASXL1-related conditions. This variant is present in population databases (no rsID available, gnomAD 0.003%). This sequence change replaces leucine, which is neutral and non-polar, with valine, which is neutral and non-polar, at codon 940 of the ASXL1 protein (p.Leu940Val).

NM_015338.6(ASXL1):c.2818T>G (p.Leu940Val)

Gene: ASXL1 (ASXL transcriptional regulator 1; plus strand). Cytogenetic location: 20q11.21.
Variant type: single nucleotide variant.
Coding change: c.2818T>G on transcript NM_015338.6 (MANE Select); coding-DNA position 2818, T replaced by G.
Protein change: p.Leu940Val; replaces leucine 940 with valine.
Molecular consequence: missense variant.
Genome position (GRCh38, 1-based): chr20:32,435,530, T>G. VCF-style: chr20-32435530-T-G. GRCh37 (hg19) VCF-style: chr20-31023333-T-G.
Other names: c.2635T>G, p.Leu879Val (NM_001363734.1); short protein forms L879V, L940V.
Identifiers: ClinVar variation 1938701 (VCV001938701.6), dbSNP rs1422246990, ClinGen allele CA408561396.